The following is an entry in ClinVar:

NM_001048174.2(MUTYH):c.1561C>T (p.Gln521Ter)

Gene: MUTYH (mutY DNA glycosylase; minus strand). Cytogenetic location: 1p34.1.
Variant type: single nucleotide variant.
Coding change: c.1561C>T on transcript NM_001048174.2 (MANE Select); coding-DNA position 1561, C replaced by T.
Protein change: p.Gln521Ter; replaces glutamine 521 with a stop codon.
Molecular consequence: nonsense. On other transcripts: non-coding transcript variant (2).
Genome position (GRCh38, 1-based): chr1:45,329,311, G>A on the plus strand (C>T on the coding strand, the complement: MUTYH is on the minus strand). VCF-style: chr1-45329311-G-A. GRCh37 (hg19) VCF-style: chr1-45794983-G-A.
Other names: c.1561C>T, p.Gln521Ter (NM_001048171.2, NM_001048173.2, NM_001293195.2); c.1564C>T, p.Gln522Ter (NM_001048172.2); c.1645C>T, p.Gln549Ter (NM_001128425.2); c.1606C>T, p.Gln536Ter (NM_001293190.2); c.1594C>T, p.Gln532Ter (NM_001293191.2); c.1285C>T, p.Gln429Ter (NM_001293192.2, NM_001293196.2); c.1216C>T, p.Gln406Ter (NM_001350650.2, NM_001350651.2); c.1636C>T, p.Gln546Ter (NM_012222.3); short protein forms Q549*, Q532*, Q429*, Q521*, Q536*, Q406*, Q522*, Q546*.
Identifiers: ClinVar variation 406862 (VCV000406862.12), dbSNP rs765990397, ClinGen allele CA16610106.

ClinVar aggregate classification (germline): Uncertain significance. Review status: criteria provided, multiple submitters, no conflicts (2 of 4 stars). 3 submissions from 3 submitters: Uncertain significance (3). Last evaluated 2025-05-20.

Conditions:
Hereditary cancer-predisposing syndrome. Also called: Tumor predisposition; Hereditary Cancer Syndrome; Hereditary neoplastic syndrome; Neoplastic Syndromes, Hereditary. Identifiers: Orphanet 140162, MedGen C0027672, MeSH D009386, MONDO:0015356.
Familial adenomatous polyposis 2. Also called: COLORECTAL ADENOMATOUS POLYPOSIS, AUTOSOMAL RECESSIVE; MUTYH Polyposis; MUTYH-associated polyposis; MUTYH-related attenuated familial adenomatous polyposis; Adenomas, multiple colorectal; ADENOMAS, MULTIPLE COLORECTAL, AUTOSOMAL RECESSIVE. Identifiers: Orphanet 220460, Orphanet 247798, MedGen C3272841, MONDO:0012041, OMIM 608456.

gnomAD v4.1: 4 of 1,614,154 alleles (0.00025%); highest among the groups gnomAD compares: Non-Finnish European, 0.00034%; no homozygotes.

Submissions (3):

Ambry Genetics
Classification: Uncertain significance for Hereditary cancer-predisposing syndrome. Last evaluated: 2025-05-20. Review status: criteria provided, single submitter. Criteria: Ambry Variant Classification Scheme 2023. Collection method: clinical testing. Allele origin: germline.
Comment: The p.Q549* variant (also known as c.1645C>T), located in coding exon 16 of the MUTYH gene, results from a C to T substitution at nucleotide position 1645. This changes the amino acid from a glutamine to a stop codon within coding exon 16. This alteration occurs at the 3' terminus of theMUTYH gene, is not expected to trigger nonsense-mediated mRNAdecay, and only impacts the last amino acid of the protein. The exact functional effect of this alteration is unknown. Since supporting evidence is limited at this time, the clinical significance of this alteration remains unclear.

Color Diagnostics, LLC DBA Color Health
Classification: Uncertain significance for Hereditary cancer-predisposing syndrome. Last evaluated: 2021-12-13. Review status: criteria provided, single submitter. Criteria: ACMG Guidelines, 2015. Collection method: clinical testing. Allele origin: germline.
Comment: This variant changes 1 nucleotide in exon 16 of the MUTYH gene, creating a premature translation stop signal in the last coding exon. This mutant transcript is predicted to escape nonsense-mediated decay and be expressed as a truncated protein, deleting one amino acid. To our knowledge, this variant has not been reported in individuals affected with hereditary cancer in the literature. This variant has not been identified in the general population by the Genome Aggregation Database (gnomAD). Loss of MUTYH function is a known mechanism of disease. The available evidence is insufficient to determine the role of this variant in disease conclusively. Therefore, this variant is classified as a Variant of Uncertain Significance.

Labcorp Genetics (formerly Invitae), Labcorp
Classification: Uncertain significance for Familial adenomatous polyposis 2. Last evaluated: 2021-06-02. Review status: criteria provided, single submitter. Criteria: Invitae Variant Classification Sherloc (09022015). Collection method: clinical testing. Allele origin: germline.
Comment: Experimental studies and prediction algorithms are not available or were not evaluated, and the functional significance of this variant is currently unknown. This variant has not been reported in the literature in individuals with MUTYH-related conditions. ClinVar contains an entry for this variant (Variation ID: 406862). This variant is not present in population databases (ExAC no frequency). This sequence change creates a premature translational stop signal (p.Gln549*) in the MUTYH gene. While this is not anticipated to result in nonsense mediated decay, it is expected to disrupt the last 1 amino acid(s) of the MUTYH protein. In summary, the available evidence is currently insufficient to determine the role of this variant in disease. Therefore, it has been classified as a Variant of Uncertain Significance.